The following is an entry in ClinVar:

NM_001281775.3(ZMYND8):c.594A>G (p.Pro198=)

Gene: ZMYND8 (zinc finger MYND-type containing 8; minus strand). Cytogenetic location: 20q13.12.
Variant type: single nucleotide variant.
Coding change: c.594A>G on transcript NM_001281775.3 (MANE Select); coding-DNA position 594, A replaced by G.
Protein change: p.Pro198=; no amino-acid change (proline 198 retained).
Molecular consequence: synonymous variant. On other transcripts: 5 prime UTR variant (2).
Genome position (GRCh38, 1-based): chr20:47,291,862, T>C on the plus strand (A>G on the coding strand, the complement: ZMYND8 is on the minus strand). VCF-style: chr20-47291862-T-C. GRCh37 (hg19) VCF-style: chr20-45920606-T-C.
Other names: c.519A>G, p.Pro173= (NM_001281771.3, NM_001281777.3, NM_001281778.3 and 4 more transcripts); c.534A>G, p.Pro178= (NM_001281772.3, NM_001281773.3, NM_001281774.3 and 1 more transcripts); c.594A>G, p.Pro198= (NM_001281776.3, NM_001281783.3, NM_012408.6 and 1 more transcripts); c.-342A>G (NM_001281779.3, NM_001281780.3); c.615A>G, p.Pro205= (NM_001363714.1).
Identifiers: ClinVar variation 3898255 (VCV003898255.8).

ClinVar aggregate classification (germline): Benign/Likely benign. Review status: criteria provided, multiple submitters, no conflicts (2 of 4 stars). 2 submissions from 2 submitters: Benign (1); Likely benign (1). Last evaluated 2026-09-01.

gnomAD v4.1: 99 of 1,613,046 alleles (0.0061%); highest among the groups gnomAD compares: Non-Finnish European, 0.0079%; 1 homozygote.

Submissions (2):

CeGaT Center for Human Genetics Tuebingen
Classification: Likely benign. Last evaluated: 2026-09-01. Review status: criteria provided, single submitter. Criteria: CeGaT Center For Human Genetics Tuebingen Variant Classification Criteria Version 2. Collection method: clinical testing. Allele origin: germline. Affected: yes. Observed: 2 variant alleles.
Comment: ZMYND8: BP4, BP7

Laboratory of Genetics, Children's Clinical University Hospital Latvia
Classification: Benign. Last evaluated: 2025-02-16. Review status: criteria provided, single submitter. Criteria: ACMG Guidelines, 2015. Collection method: clinical testing. Allele origin: germline. Affected: yes.